The following is an entry in ClinVar:

ClinVar aggregate classification (germline): Pathogenic/Likely pathogenic. Review status: criteria provided, multiple submitters, no conflicts (2 of 4 stars). 9 submissions from 9 submitters: Pathogenic (5); Likely pathogenic (1). 3 of the submissions do not count toward it. Last evaluated 2025-05-26.

Conditions:
RDH12-related disorder. Also called: RDH12-related disorders; RDH12-related condition.
Retinal dystrophy. Also called: Inherited retinal dystrophy. Identifiers: Orphanet 71862, MedGen C0854723, MeSH D058499, MONDO:0019118, HP:0000556.
Retinitis pigmentosa (RP). Identifiers: Orphanet 791, MedGen C0035334, MeSH D012174, MONDO:0019200, OMIM 268000. Inheritance: Autosomal dominant, autosomal recessive and X linked inheritance.
Leber congenital amaurosis (LCA). Also called: Leber's amaurosis. Identifiers: Orphanet 65, MedGen C0339527, MeSH D057130, MONDO:0018998.
Leber congenital amaurosis 13 (LCA13). Identifiers: MedGen C2675186, MONDO:0012990, OMIM 612712.

Allele frequency attached by ClinVar (database versions not stated): gnomAD 0.00001; gnomAD exomes 0.00001; TOPMed 0.00001.
gnomAD v4.1: 21 of 1,612,224 alleles (0.0013%); highest among the groups gnomAD compares: Non-Finnish European, 0.0017%; no homozygotes.

Submissions (9):

Natera, Inc.
Classification: Likely pathogenic for Leber congenital amaurosis. Last evaluated: 2025-05-26. Review status: criteria provided, single submitter. Criteria: Natera Variant Classification Schema (03/2026). Collection method: clinical testing. Allele origin: germline.
Comment: The c.451C>G variant in RDH12 is a missense variant predicted to cause substitution of histidine to aspartic acid at amino acid 151. This variant is rare in the general population with a frequency below the threshold expected for the associated phenotype(s). This variant has been observed in one or more individuals affected with the associated recessive disease, as either homozygous or compound heterozygous with a second variant (PMID: 15322982, 23591405, 16269441, 37240262). Additionally, this variant has been observed to segregate in affected family members (PMID: 15322982). Functional studies show that this variant may disrupt protein function (PMID: 16269441). Computational prediction algorithms indicate this variant is likely to affect gene or protein function. Given the available evidence, this variant is classified as Likely Pathogenic.

Baylor Genetics
Classification: Pathogenic for Leber congenital amaurosis 13. Last evaluated: 2024-02-26. Review status: criteria provided, single submitter. Criteria: ACMG Guidelines, 2015. Collection method: clinical testing. Allele origin: unknown.

Labcorp Genetics (formerly Invitae), Labcorp
Classification: Pathogenic for Leber congenital amaurosis 13. Last evaluated: 2024-01-16. Review status: criteria provided, single submitter. Criteria: Invitae Variant Classification Sherloc (09022015). Collection method: clinical testing. Allele origin: germline.
Comment: This sequence change replaces histidine, which is basic and polar, with aspartic acid, which is acidic and polar, at codon 151 of the RDH12 protein (p.His151Asp). This variant is present in population databases (rs104894475, gnomAD 0.002%). This missense change has been observed in individuals with autosomal recessive RDH12-related conditions (PMID: 15322982, 17389517, 30718709). It has also been observed to segregate with disease in related individuals. ClinVar contains an entry for this variant (Variation ID: 2054). An algorithm developed to predict the effect of missense changes on protein structure and function (PolyPhen-2) suggests that this variant is likely to be disruptive. Experimental studies have shown that this missense change affects RDH12 function (PMID: 16269441). For these reasons, this variant has been classified as Pathogenic.

Blueprint Genetics
Classification: Pathogenic for RDH12-related disorders. Last evaluated: 2022-06-20. Review status: criteria provided, single submitter. Criteria: ACMG Guidelines, 2015. Collection method: clinical testing. Allele origin: germline. Affected: yes. Observed: 3 variant alleles.

Institute of Human Genetics, Univ. Regensburg, Univ. Regensburg
Classification: Pathogenic for Retinal dystrophy. Last evaluated: 2022-01-01. Review status: criteria provided, single submitter. Criteria: ACMG Guidelines, 2015. Collection method: clinical testing. Allele origin: germline. Affected: yes.

CeGaT Center for Human Genetics Tuebingen
Classification: Pathogenic. Last evaluated: 2020-07-01. Review status: criteria provided, single submitter. Criteria: CeGaT Center For Human Genetics Tuebingen Variant Classification Criteria Version 2. Collection method: clinical testing. Allele origin: germline. Affected: yes. Observed: 2 variant alleles.

Department of Clinical Genetics, Copenhagen University Hospital, Rigshospitalet
Classification: Pathogenic for Retinitis pigmentosa. Last evaluated: 2018-04-01. Review status: no assertion criteria provided. Collection method: research. Allele origin: unknown. Affected: yes. Study: VeluxRD. Not counted in ClinVar's aggregate classification.

OMIM
Classification: Pathogenic for LEBER CONGENITAL AMAUROSIS 13. Last evaluated: 2004-10-01. Review status: no assertion criteria provided. Collection method: literature only. Allele origin: germline. Not counted in ClinVar's aggregate classification.

Laboratory of Genetics in Ophthalmology, Institut Imagine
Classification: Pathogenic for Leber congenital amaurosis 13. Review status: no assertion criteria provided. Collection method: research. Allele origin: inherited. Affected: yes. Observed: 1 variant allele. Not counted in ClinVar's aggregate classification.

Literature cited by the submitters: PubMed 15322982 (cited by 5 submitters); PubMed 23591405 (cited by Natera, Inc.); PubMed 16269441 (cited by Natera, Inc. and Labcorp Genetics (formerly Invitae), Labcorp); PubMed 37240262 (cited by Natera, Inc.); PubMed 17389517 (cited by Labcorp Genetics (formerly Invitae), Labcorp); PubMed 30718709 (cited by Labcorp Genetics (formerly Invitae), Labcorp and Department of Clinical Genetics, Copenhagen University Hospital, Rigshospitalet); PubMed 22065924 (cited by Institute of Human Genetics, Univ. Regensburg, Univ. Regensburg); PubMed 31964843 (cited by Institute of Human Genetics, Univ. Regensburg, Univ. Regensburg); PubMed 32531858 (cited by Institute of Human Genetics, Univ. Regensburg, Univ. Regensburg).

NM_152443.3(RDH12):c.451C>G (p.His151Asp)

Genes: GPHN (gephyrin; plus strand), RDH12 (retinol dehydrogenase 12; plus strand). Cytogenetic location: 14q24.1.
Variant type: single nucleotide variant.
Coding change: c.451C>G on transcript NM_152443.3 (MANE Select); coding-DNA position 451, C replaced by G.
Protein change: p.His151Asp; replaces histidine 151 with aspartic acid.
Molecular consequence: missense variant.
Genome position (GRCh38, 1-based): chr14:67,726,983, C>G. VCF-style: chr14-67726983-C-G. GRCh37 (hg19) VCF-style: chr14-68193700-C-G.
Other names: short protein forms H151D.
Identifiers: ClinVar variation 2054 (VCV000002054.54), dbSNP rs104894475, ClinGen allele CA252087.